The following is an entry in ClinVar:

ClinVar aggregate classification (germline): Uncertain significance. Review status: criteria provided, multiple submitters, no conflicts (2 of 4 stars). 3 submissions from 3 submitters: Uncertain significance (3). Last evaluated 2026-06-11.

Conditions:
TTN-related disorder. Also called: TTN-related condition; TTN-related disease; TTN-related disorders.

gnomAD v4.1: 19 of 1,613,556 alleles (0.0012%); highest among the groups gnomAD compares: African/African-American, 0.013%; no homozygotes.

Submissions (3):

PreventionGenetics, part of Exact Sciences
Classification: Uncertain significance for TTN-related condition. Last evaluated: 2026-06-11. Review status: criteria provided, single submitter. Criteria: ACMG Guidelines, 2015. Collection method: clinical testing. Allele origin: germline.
Comment: The TTN c.91978C>T variant is predicted to result in the amino acid substitution p.Arg30660Trp. To our knowledge, this variant has not been reported in the literature. This variant is reported in 0.012% of alleles in individuals of African descent in gnomAD. At this time, the clinical significance of this variant is uncertain due to the absence of conclusive functional and genetic evidence.

GeneDx
Classification: Uncertain significance. Last evaluated: 2025-07-24. Review status: criteria provided, single submitter. Criteria: GeneDx Variant Classification Process June 2021. Collection method: clinical testing. Allele origin: germline. Affected: yes.
Comment: Not observed at significant frequency in large population cohorts (gnomAD); Missense variant in a gene in which most reported pathogenic variants are truncating/loss-of-function; Has not been previously published as pathogenic or benign to our knowledge

Mayo Clinic Laboratories, Mayo Clinic
Classification: Uncertain significance. Last evaluated: 2025-06-05. Review status: criteria provided, single submitter. Criteria: ACMG Guidelines, 2015. Collection method: clinical testing. Allele origin: germline. Observed: 1 variant allele.

NM_001267550.2(TTN):c.91978C>T (p.Arg30660Trp)

Genes: TTN (titin; minus strand), TTN-AS1 (TTN antisense RNA 1; plus strand). Cytogenetic location: 2q31.2.
Variant type: single nucleotide variant.
Coding change: c.91978C>T on transcript NM_001267550.2 (MANE Select); coding-DNA position 91978, C replaced by T.
Protein change: p.Arg30660Trp; replaces arginine 30660 with tryptophan.
Molecular consequence: missense variant.
Genome position (GRCh38, 1-based): chr2:178,549,744, G>A on the plus strand (C>T on the coding strand, the complement: TTN is on the minus strand). VCF-style: chr2-178549744-G-A. GRCh37 (hg19) VCF-style: chr2-179414471-G-A.
Other names: p.Arg29019Trp; c.87055C>T, p.Arg29019Trp (NM_001256850.1); c.64783C>T, p.Arg21595Trp (NM_003319.4); c.84274C>T, p.Arg28092Trp (NM_133378.4); c.65158C>T, p.Arg21720Trp (NM_133432.3); c.65359C>T, p.Arg21787Trp (NM_133437.4); short protein forms R29019W, R30660W, R21595W, R21720W, R21787W, R28092W.
Identifiers: ClinVar variation 3380863 (VCV003380863.4).